The following is an entry in ClinVar:

NM_000053.4(ATP7B):c.470G>T (p.Cys157Phe)

Gene: ATP7B (ATPase copper transporting beta; minus strand). Cytogenetic location: 13q14.3.
Variant type: single nucleotide variant.
Coding change: c.470G>T on transcript NM_000053.4 (MANE Select); coding-DNA position 470, G replaced by T.
Protein change: p.Cys157Phe; replaces cysteine 157 with phenylalanine.
Molecular consequence: missense variant.
Genome position (GRCh38, 1-based): chr13:51,974,750, C>A on the plus strand (G>T on the coding strand, the complement: ATP7B is on the minus strand). VCF-style: chr13-51974750-C-A. GRCh37 (hg19) VCF-style: chr13-52548886-C-A.
Other names: c.470G>T, p.Cys157Phe (NM_001005918.3, NM_001243182.2, NM_001330578.2 and 1 more transcripts); short protein forms C157F.
Identifiers: ClinVar variation 1461048 (VCV001461048.5), dbSNP rs551275663, ClinGen allele CA250067512.

ClinVar aggregate classification (germline): Uncertain significance. Review status: criteria provided, multiple submitters, no conflicts (2 of 4 stars). 2 submissions from 2 submitters: Uncertain significance (2). Last evaluated 2024-10-22.

Conditions:
Wilson disease (WND). Also called: Wilson's disease. Identifiers: Orphanet 905, MedGen C0019202, MONDO:0010200, OMIM 277900. Disease mechanism: loss of function.

Allele frequency attached by ClinVar (database versions not stated): gnomAD exomes below 0.00001; gnomAD 0.00001 and 0.00003; TOPMed 0.00002; 1000 Genomes Project 30x 0.00016; 1000 Genomes Project 0.00020.
gnomAD v4.1: 5 of 1,614,192 alleles (0.00031%); highest among the groups gnomAD compares: East Asian, 0.011%; no homozygotes.

Submissions (2):

Labcorp Genetics (formerly Invitae), Labcorp
Classification: Uncertain significance for Wilson disease. Last evaluated: 2024-10-22. Review status: criteria provided, single submitter. Criteria: Invitae Variant Classification Sherloc (09022015). Collection method: clinical testing. Allele origin: germline.
Comment: This sequence change replaces cysteine, which is neutral and slightly polar, with phenylalanine, which is neutral and non-polar, at codon 157 of the ATP7B protein (p.Cys157Phe). This variant is present in population databases (rs551275663, gnomAD 0.01%). This missense change has been observed in individual(s) with clinical features of Wilson disease (PMID: 23235335). ClinVar contains an entry for this variant (Variation ID: 1461048). Invitae Evidence Modeling of protein sequence and biophysical properties (such as structural, functional, and spatial information, amino acid conservation, physicochemical variation, residue mobility, and thermodynamic stability) indicates that this missense variant is expected to disrupt ATP7B protein function with a positive predictive value of 95%. In summary, the available evidence is currently insufficient to determine the role of this variant in disease. Therefore, it has been classified as a Variant of Uncertain Significance.

Women's Health and Genetics/Laboratory Corporation of America, LabCorp
Classification: Uncertain significance. Last evaluated: 2022-09-28. Review status: criteria provided, single submitter. Criteria: LabCorp Variant Classification Summary - May 2015. Collection method: clinical testing. Allele origin: germline.
Comment: Variant summary: ATP7B c.470G>T (p.Cys157Phe) results in a non-conservative amino acid change located in the Heavy metal-associated domain (IPR006121) of the encoded protein sequence. Five of five in-silico tools predict a damaging effect of the variant on protein function. The variant allele was found at a frequency of 4e-06 in 249354 control chromosomes (gnomAD). The available data on variant occurrences in the general population are insufficient to allow any conclusion about variant significance. c.470G>T has been reported in the literature in a heterozygous individual affected with Wilson Disease (Li_2013). These report(s) do not provide unequivocal conclusions about association of the variant with Wilson Disease. To our knowledge, no experimental evidence demonstrating an impact on protein function has been reported. A ClinVar submitter (evaluation after 2014) cites the variant as uncertain significance. Based on the evidence outlined above, the variant was classified as uncertain significance.

Literature cited by the submitters: PubMed 23235335 (cited by Labcorp Genetics (formerly Invitae), Labcorp and Women's Health and Genetics/Laboratory Corporation of America, LabCorp).